The following is an entry in ClinVar:

NM_000059.4(BRCA2):c.425+147G>T

Gene: BRCA2 (BRCA2 DNA repair associated; plus strand). Cytogenetic location: 13q13.1.
Variant type: single nucleotide variant.
Coding change: c.425+147G>T on transcript NM_000059.4 (MANE Select); 147 bases into the intron after coding-DNA position 425, G replaced by T.
Molecular consequence: intron variant.
Genome position (GRCh38, 1-based): chr13:32,325,331, G>T. VCF-style: chr13-32325331-G-T. GRCh37 (hg19) VCF-style: chr13-32899468-G-T.
Other names: IVS 4+147G>T.
Identifiers: ClinVar variation 209643 (VCV000209643.3), dbSNP rs4942423, ClinGen allele CA276612.

ClinVar aggregate classification (germline): Benign. Review status: reviewed by expert panel (3 of 4 stars). 3 submissions from 3 submitters: Benign (1). 2 of the submissions do not count toward it. Last evaluated 2015-01-12.

Conditions:
Hereditary cancer-predisposing syndrome. Also called: Neoplastic Syndromes, Hereditary; Hereditary Cancer Syndrome; Tumor predisposition; Hereditary neoplastic syndrome. Identifiers: Orphanet 140162, MedGen C0027672, MeSH D009386, MONDO:0015356.
Breast-ovarian cancer, familial, susceptibility to, 2 (BROVCA2). Also called: BRCA2 Hereditary Breast and Ovarian Cancer. Identifiers: Orphanet 145, MedGen C2675520, MONDO:0012933, OMIM 612555. Disease mechanism: loss of function.

Allele frequency attached by ClinVar (database versions not stated): 1000 Genomes Project 30x 0.02171; 1000 Genomes Project 0.02216; TOPMed 0.04261.

Submissions (3):

Evidence-based Network for the Interpretation of Germline Mutant Alleles (ENIGMA)
Classification: Benign for Breast-ovarian cancer, familial 2. Last evaluated: 2015-01-12. Review status: reviewed by expert panel. Criteria: ENIGMA BRCA1/2 Classification Criteria (2015). Collection method: curation. Allele origin: germline.
Comment: Class 1 not pathogenic based on frequency >1% in an outbred sampleset. Frequency 0.06728 (European), derived from 1000 genomes (2012-04-30).

GeneDx
Classification: Benign. Last evaluated: 2018-06-14. Review status: criteria provided, single submitter. Criteria: GeneDx Variant Classification (06012015). Collection method: clinical testing. Allele origin: germline. Affected: yes. Not counted in ClinVar's aggregate classification.
Comment: This variant is considered likely benign or benign based on one or more of the following criteria: it is a conservative change, it occurs at a poorly conserved position in the protein, it is predicted to be benign by multiple in silico algorithms, and/or has population frequency not consistent with disease.

Ambry Genetics
Classification: Benign for Hereditary cancer-predisposing syndrome. Last evaluated: 2014-11-19. Review status: criteria provided, single submitter. Criteria: Ambry Variant Classification Scheme 2023. Collection method: clinical testing. Allele origin: germline. Not counted in ClinVar's aggregate classification.